The following is an entry in ClinVar:

ClinVar aggregate classification (germline): Pathogenic/Likely pathogenic. Review status: criteria provided, multiple submitters, no conflicts (2 of 4 stars). 2 submissions from 2 submitters: Pathogenic (1); Likely pathogenic (1). Last evaluated 2023-01-19.

Conditions:
Hereditary cancer-predisposing syndrome. Also called: Hereditary Cancer Syndrome; Tumor predisposition; Hereditary neoplastic syndrome; Neoplastic Syndromes, Hereditary. Identifiers: Orphanet 140162, MedGen C0027672, MeSH D009386, MONDO:0015356.
Familial cancer of breast. Also called: BREAST CANCER, FAMILIAL; Hereditary breast cancer; hereditary breast carcinoma. Identifiers: Orphanet 227535, MedGen C0346153, MONDO:0016419, OMIM 114480. Disease mechanism: loss of function.
Fanconi anemia complementation group J. Also called: BRIP1-Related Fanconi Anemia. Identifiers: Orphanet 84, MedGen C1836860, MONDO:0012187, OMIM 609054.

Submissions (2):

Ambry Genetics
Classification: Likely pathogenic for Hereditary cancer-predisposing syndrome. Last evaluated: 2023-01-19. Review status: criteria provided, single submitter. Criteria: Ambry Variant Classification Scheme 2023. Collection method: clinical testing. Allele origin: germline.
Comment: The p.Q40* variant (also known as c.118C>T), located in coding exon 2 of the BRIP1 gene, results from a C to T substitution at nucleotide position 118. This changes the amino acid from a glutamine to a stop codon within coding exon 2. The predicted stop codon occurs in the 5&rsquo; end of theBRIP1 gene. Premature termination codons in the 5&rsquo; end of a gene have been reported to escape nonsense-mediated mRNAdecay and/or lead to re-initiation (Rivas et al. Science. 2015 May 8;348(6235):666-9; Lindeboom et al. Nat Genet. 2016 Oct;48(10):1112-8; Rhee et al. Sci Rep. 2017 May 10;7(1):1653). Direct evidence for this alteration is unavailable, however premature termination codons are typically deleterious in nature. This variant is considered to be rare based on population cohorts in the Genome Aggregation Database (gnomAD). Based on the majority of available evidence to date, this variant is likely to be pathogenic.

Labcorp Genetics (formerly Invitae), Labcorp
Classification: Pathogenic for Familial cancer of breast; Fanconi anemia complementation group J. Last evaluated: 2022-05-16. Review status: criteria provided, single submitter. Criteria: Invitae Variant Classification Sherloc (09022015). Collection method: clinical testing. Allele origin: germline.
Comment: This sequence change creates a premature translational stop signal (p.Gln40*) in the BRIP1 gene. It is expected to result in an absent or disrupted protein product. Loss-of-function variants in BRIP1 are known to be pathogenic (PMID: 16116423, 17033622, 21964575). This variant is not present in population databases (gnomAD no frequency). This variant has not been reported in the literature in individuals affected with BRIP1-related conditions. For these reasons, this variant has been classified as Pathogenic.

Literature cited by the submitters: PubMed 16116423 (cited by Labcorp Genetics (formerly Invitae), Labcorp); PubMed 17033622 (cited by Labcorp Genetics (formerly Invitae), Labcorp); PubMed 21964575 (cited by Labcorp Genetics (formerly Invitae), Labcorp).

NM_032043.3(BRIP1):c.118C>T (p.Gln40Ter)

Gene: BRIP1 (BRCA1 interacting DNA helicase 1; minus strand). Cytogenetic location: 17q23.2.
Variant type: single nucleotide variant.
Coding change: c.118C>T on transcript NM_032043.3 (MANE Select); coding-DNA position 118, C replaced by T.
Protein change: p.Gln40Ter; replaces glutamine 40 with a stop codon.
Molecular consequence: nonsense.
Genome position (GRCh38, 1-based): chr17:61,859,883, G>A on the plus strand (C>T on the coding strand, the complement: BRIP1 is on the minus strand). VCF-style: chr17-61859883-G-A. GRCh37 (hg19) VCF-style: chr17-59937244-G-A.
Other names: short protein forms Q40*.
Identifiers: ClinVar variation 1995037 (VCV001995037.6), dbSNP rs2145852357, ClinGen allele CA400485835.
Genomic context (GRCh38, chr17:61,859,883, plus strand): 5'-CAGAACAAAGTAAGGCTAAGCTTTTTCCACTTCCTGTGGGACTCTCCAACAAACAATGTT[G>A]CTTGCTGTTTAATCCTCTGAGAATCTATGAACACAGAAACCAATGAAAATAATAAACATA-3'